The following is an entry in ClinVar:

ClinVar aggregate classification (germline): Benign. Review status: criteria provided, multiple submitters, no conflicts (2 of 4 stars). 2 submissions from 2 submitters: Benign (2). Last evaluated 2024-10-22.

Allele frequency attached by ClinVar (database versions not stated): gnomAD exomes below 0.00001; ExAC 0.00001; 1000 Genomes Project 30x 0.00016; 1000 Genomes Project 0.00020; TOPMed 0.00027; gnomAD 0.00038.
gnomAD v4.1: 63 of 1,481,462 alleles (0.0043%); highest among the groups gnomAD compares: Admixed American, 0.14%; 1 homozygote.

Submissions (2):

Labcorp Genetics (formerly Invitae), Labcorp
Classification: Benign. Last evaluated: 2024-10-22. Review status: criteria provided, single submitter. Criteria: Invitae Variant Classification Sherloc (09022015). Collection method: clinical testing. Allele origin: germline.

CeGaT Center for Human Genetics Tuebingen
Classification: Benign. Last evaluated: 2022-07-01. Review status: criteria provided, single submitter. Criteria: CeGaT Center For Human Genetics Tuebingen Variant Classification Criteria Version 2. Collection method: clinical testing. Allele origin: germline. Affected: yes. Observed: 1 variant allele.
Comment: RNF13: BS1, BS2

NM_183381.3(RNF13):c.427A>G (p.Ile143Val)

Gene: RNF13 (ring finger protein 13; plus strand). Cytogenetic location: 3q25.1.
Variant type: single nucleotide variant.
Coding change: c.427A>G on transcript NM_183381.3 (MANE Select); coding-DNA position 427, A replaced by G.
Protein change: p.Ile143Val; replaces isoleucine 143 with valine.
Molecular consequence: missense variant. On other transcripts: non-coding transcript variant (1).
Genome position (GRCh38, 1-based): chr3:149,902,089, A>G. VCF-style: chr3-149902089-A-G. GRCh37 (hg19) VCF-style: chr3-149619876-A-G.
Other names: c.70A>G, p.Ile24Val (NM_183383.2, NM_001378287.1, NM_001378288.1 and 2 more transcripts); c.427A>G, p.Ile143Val (NM_001378285.1, NM_001378286.1, NM_007282.4); c.34A>G, p.Ile12Val (NM_001378291.1); short protein forms I143V, I24V, I12V.
Identifiers: ClinVar variation 1940027 (VCV001940027.28), dbSNP rs528453221, ClinGen allele CA2662998.
Genomic context (GRCh38, chr3:149,902,089, plus strand): 5'-AAATATGGGCTTTTAAGAATAATTTCATTATTCTTTTATACAGTTGAGGTACTAAAGAAA[A>G]TTGACATTCCATCTGTCTTTATTGGTGAATCATCAGCTAATTCTCTGAAAGATGAATTCA-3'
Protein context (NP_899237.1, residues 133-153): GSNDIEVLKK[Ile143Val]DIPSVFIGES